The following is an entry in ClinVar:

NM_001039141.3(TRIOBP):c.4888C>A (p.Pro1630Thr)

Gene: TRIOBP (TRIO and F-actin binding protein; plus strand). Cytogenetic location: 22q13.1.
Variant type: single nucleotide variant.
Coding change: c.4888C>A on transcript NM_001039141.3 (MANE Select); coding-DNA position 4888, C replaced by A.
Protein change: p.Pro1630Thr; replaces proline 1630 with threonine.
Molecular consequence: missense variant.
Genome position (GRCh38, 1-based): chr22:37,735,224, C>A. VCF-style: chr22-37735224-C-A. GRCh37 (hg19) VCF-style: chr22-38131231-C-A.
Other names: short protein forms P1630T.
Identifiers: ClinVar variation 3603190 (VCV003603190.1).
Genomic context (GRCh38, chr22:37,735,224, plus strand): 5'-GGGCCAGAGCTGGGTCCCCCAGGCACAAACGATGTCCCTGAGCAGGAGTCACACAGCCAG[C>A]CAGAAGGCTGGGCCGAGGCCACCCCAGTCAATGGACACAGCCCCGCACTGCAGTCCCAGA-3'
Protein context (NP_001034230.1, residues 1620-1640): DVPEQESHSQ[Pro1630Thr]EGWAEATPVN

ClinVar aggregate classification (germline): Uncertain significance (1 of 4 stars; one submission).

gnomAD v4.1: 1 of 1,606,260 alleles (0.000062%); highest among the groups gnomAD compares: Non-Finnish European, 0.000085%; no homozygotes.

Submission:

GeneDx
Classification: Uncertain significance. Last evaluated: 2024-08-08. Review status: criteria provided, single submitter. Criteria: GeneDx Variant Classification Process June 2021. Collection method: clinical testing. Allele origin: germline. Affected: yes.
Comment: Not observed at significant frequency in large population cohorts (gnomAD); In silico analysis supports that this missense variant has a deleterious effect on protein structure/function; Has not been previously published as pathogenic or benign to our knowledge